The following is an entry in ClinVar:

NM_017617.5(NOTCH1):c.2353+14G>A

Gene: NOTCH1 (notch receptor 1; minus strand). Cytogenetic location: 9q34.3.
Variant type: single nucleotide variant.
Coding change: c.2353+14G>A on transcript NM_017617.5 (MANE Select); 14 bases into the intron after coding-DNA position 2353, G replaced by A.
Molecular consequence: intron variant.
Genome position (GRCh38, 1-based): chr9:136,513,378, C>T on the plus strand (G>A on the coding strand, the complement: NOTCH1 is on the minus strand). VCF-style: chr9-136513378-C-T. GRCh37 (hg19) VCF-style: chr9-139407830-C-T.
Other names: c.2353+14G>A (LRG_1122t1).
Identifiers: ClinVar variation 392234 (VCV000392234.14), dbSNP rs140288481, ClinGen allele CA5341404.

ClinVar aggregate classification (germline): Conflicting classifications of pathogenicity. Review status: criteria provided, conflicting classifications (1 of 4 stars). 8 submissions from 7 submitters: Uncertain significance (1); Benign (2); Likely benign (3). 2 of the submissions do not count toward it. Last evaluated 2025-12-23.

Conditions:
Adams-Oliver syndrome 5 (AOS5). Identifiers: Orphanet 974, MedGen C4014970, MONDO:0014459, OMIM 616028.
Familial thoracic aortic aneurysm and aortic dissection (TAAD). Also called: Thoracic aortic aneurysms and dissections. Identifiers: Orphanet 91387, MedGen C4707243, MONDO:0019625.
Aortic valve disease 1 (AOVD1). Identifiers: MedGen C3887892, MONDO:0024523, OMIM 109730.

Allele frequency attached by ClinVar (database versions not stated): ESP Exome Variant Server 0.00008; TOPMed 0.00013; gnomAD 0.00015 and 0.00017; 1000 Genomes Project 0.00060; 1000 Genomes Project 30x 0.00062.
gnomAD v4.1: 334 of 1,612,718 alleles (0.021%); highest among the groups gnomAD compares: Admixed American, 0.03%; no homozygotes.

Submissions (8):

Labcorp Genetics (formerly Invitae), Labcorp
Classification: Likely benign for Adams-Oliver syndrome 5. Last evaluated: 2025-12-23. Review status: criteria provided, single submitter. Criteria: Invitae Variant Classification Sherloc (09022015). Collection method: clinical testing. Allele origin: germline.

Blueprint Genetics
Classification: Likely benign. Last evaluated: 2024-02-16. Review status: criteria provided, single submitter. Criteria: ACMG Guidelines, 2015. Collection method: clinical testing. Allele origin: germline.

Genome-Nilou Lab
Classification: Benign for Adams-Oliver syndrome 5. Last evaluated: 2022-03-15. Review status: criteria provided, single submitter. Criteria: ACMG Guidelines, 2015. Collection method: clinical testing. Allele origin: germline. Affected: no.

Genome-Nilou Lab
Classification: Benign for Aortic valve disease 1. Last evaluated: 2022-03-15. Review status: criteria provided, single submitter. Criteria: ACMG Guidelines, 2015. Collection method: clinical testing. Allele origin: germline. Affected: no.

GeneDx
Classification: Likely benign. Last evaluated: 2018-01-02. Review status: criteria provided, single submitter. Criteria: GeneDx Variant Classification (06012015). Collection method: clinical testing. Allele origin: germline. Affected: yes.
Comment: This variant is considered likely benign or benign based on one or more of the following criteria: it is a conservative change, it occurs at a poorly conserved position in the protein, it is predicted to be benign by multiple in silico algorithms, and/or has population frequency not consistent with disease.

Ambry Genetics
Classification: Uncertain significance for Familial thoracic aortic aneurysm and aortic dissection. Last evaluated: 2015-09-06. Review status: criteria provided, single submitter. Criteria: Ambry Variant Classification Scheme 2023. Collection method: clinical testing. Allele origin: germline.
Comment: The c.2353+14G>A intronic alteration consists of a G to A substitution 4 nucleotides after coding exon 14 in the NOTCH1 gene. Based on insufficient or conflicting evidence, the clinical significance of this alteration remains unclear.

Genome Diagnostics Laboratory, Amsterdam University Medical Center
Classification: Likely benign. Review status: no assertion criteria provided. Collection method: clinical testing. Allele origin: germline. Affected: yes. Study: VKGL Data-share Consensus. Not counted in ClinVar's aggregate classification.

Genome Diagnostics Laboratory, University Medical Center Utrecht
Classification: Likely benign. Review status: no assertion criteria provided. Collection method: clinical testing. Allele origin: germline. Affected: yes. Study: VKGL Data-share Consensus. Not counted in ClinVar's aggregate classification.